The following is an entry in ClinVar:

ClinVar aggregate classification (germline): Uncertain significance (1 of 4 stars; one submission).

Conditions:
Dent disease type 1 (DENT1). Also called: NEPHROLITHIASIS 2; NEPHROLITHIASIS, HYPERCALCIURIC, X-LINKED. Identifiers: Orphanet 1652, Orphanet 93622, MedGen C1848336, MONDO:0010225, OMIM 300009.

Submission:

Victorian Clinical Genetics Services, Murdoch Childrens Research Institute
Classification: Uncertain significance for Dent disease type 1. Last evaluated: 2020-06-11. Review status: criteria provided, single submitter. Criteria: ACMG Guidelines, 2015. Collection method: clinical testing. Allele origin: germline. Inheritance: X-linked recessive inheritance. Affected: yes.
Comment: Based on the classification scheme VCGS_Germline_v1.1.1, this variant is classified as 3A-VUS. Following criteria are met: 0102 - Loss-of-function is a known mechanism of disease for this gene. (N) 0109 - This gene is known to be associated with X-linked recessive disease. (N) 0200 - Variant is predicted to result in a missense amino acid change from tryptophan to arginine (exon 11). (N) 0253 - Variant is hemizygous. (N) 0301 - Variant is absent from gnomAD. (P) 0501 - Missense variant consistently predicted to be damaging by multiple in-silico tools and highly conserved with a major amino acid change. (P) 0600 - Variant is located in an annotated domain or motif (voltage gated CIC superfamily domain; NCBI). (N) 0705 - No comparable variants have previous evidence for pathogenicity. (N) 0807 - Variant has not previously been reported in a clinical context. (N) 0905 - No segregation evidence has been identified for this variant, ie. no segregation studies published in literature. (N) 1007 - No published functional evidence has been identified for this variant. (N) 1102 - Strong phenotype match. (N) Legend: (P) - Pathogenic, (N) - Neutral, (B) - Benign

NM_001127898.4(CLCN5):c.1150T>C (p.Trp384Arg)

Gene: CLCN5 (Cl-/H+ antiporter 5; plus strand). Cytogenetic location: Xp11.23.
Variant type: single nucleotide variant.
Coding change: c.1150T>C on transcript NM_001127898.4 (MANE Select); coding-DNA position 1150, T replaced by C.
Protein change: p.Trp384Arg; replaces tryptophan 384 with arginine.
Molecular consequence: missense variant.
Genome position (GRCh38, 1-based): chrX:50,086,463, T>C. VCF-style: chrX-50086463-T-C. GRCh37 (hg19) VCF-style: chrX-49851120-T-C.
Other names: c.940T>C, p.Trp314Arg (NM_000084.5); c.1150T>C, p.Trp384Arg (NM_001127899.4); c.1000T>C, p.Trp334Arg (NM_001282163.2); short protein forms W314R, W334R, W384R.
Identifiers: ClinVar variation 1805530 (VCV001805530.1), dbSNP rs2519433618, ClinGen allele CA413185297.